The following is an entry in ClinVar:

NM_000138.5(FBN1):c.3605G>A (p.Ser1202Asn)

Gene: FBN1 (fibrillin 1; minus strand). Cytogenetic location: 15q21.1.
Variant type: single nucleotide variant.
Coding change: c.3605G>A on transcript NM_000138.5 (MANE Select); coding-DNA position 3605, G replaced by A.
Protein change: p.Ser1202Asn; replaces serine 1202 with asparagine.
Molecular consequence: missense variant.
Genome position (GRCh38, 1-based): chr15:48,485,481, C>T on the plus strand (G>A on the coding strand, the complement: FBN1 is on the minus strand). VCF-style: chr15-48485481-C-T. GRCh37 (hg19) VCF-style: chr15-48777678-C-T.
Other names: short protein forms S1202N.
Identifiers: ClinVar variation 1079925 (VCV001079925.11), dbSNP rs758542279, ClinGen allele CA051304.

ClinVar aggregate classification (germline): Conflicting classifications of pathogenicity. Review status: criteria provided, conflicting classifications (1 of 4 stars). 2 submissions from 2 submitters: Uncertain significance (1); Likely benign (1). Last evaluated 2025-02-06.

Conditions:
Familial thoracic aortic aneurysm and aortic dissection (TAAD). Also called: Thoracic aortic aneurysms and dissections. Identifiers: Orphanet 91387, MedGen C4707243, MONDO:0019625.
Marfan syndrome (MFS). Also called: Marfan syndrome type 1; Marfan's syndrome; Marfan syndrome, classic; MARFAN SYNDROME, TYPE I; FBN1-Related Marfan Syndrome. Identifiers: Orphanet 284963, Orphanet 558, MedGen C0024796, MONDO:0007947, OMIM 154700.

gnomAD v4.1: 17 of 1,614,190 alleles (0.0011%); highest among the groups gnomAD compares: Admixed American, 0.027%; no homozygotes.

Submissions (2):

Labcorp Genetics (formerly Invitae), Labcorp
Classification: Likely benign for Marfan syndrome; Familial thoracic aortic aneurysm and aortic dissection. Last evaluated: 2025-02-06. Review status: criteria provided, single submitter. Criteria: Invitae Variant Classification Sherloc (09022015). Collection method: clinical testing. Allele origin: germline.

GeneDx
Classification: Uncertain significance. Last evaluated: 2024-04-11. Review status: criteria provided, single submitter. Criteria: GeneDx Variant Classification Process June 2021. Collection method: clinical testing. Allele origin: germline. Affected: yes.
Comment: Has not been previously published as pathogenic or benign to our knowledge; In silico analysis supports that this missense variant does not alter protein structure/function; Although located in a calcium-binding EGF-like domain of the FBN1 gene, it does not affect a cysteine residue within this domain; cysteine substitutions in the calcium-binding EGF-like domains represent the majority of pathogenic missense changes associated with FBN1-related disorders (PMID: 12938084); This variant is associated with the following publications: (PMID: 12938084)